The following is an entry in ClinVar:

ClinVar aggregate classification (germline): Uncertain significance (1 of 4 stars; one submission).

Conditions:
Cardiomyopathy (CMYO). Also called: Cardiomyopathies. Identifiers: Orphanet 167848, MedGen C0878544, MONDO:0004994, HP:0001638. Inheritance: Various modes of inheritance.

gnomAD v4.1: 1 of 1,613,854 alleles (0.000062%); highest among the groups gnomAD compares: Non-Finnish European, 0.000085%; no homozygotes.

Submission:

Color Diagnostics, LLC DBA Color Health
Classification: Uncertain significance for Cardiomyopathy. Last evaluated: 2024-03-06. Review status: criteria provided, single submitter. Criteria: ACMG Guidelines, 2015. Collection method: clinical testing. Allele origin: germline.
Comment: This missense variant replaces proline with threonine at codon 817 of the RYR2 protein. Computational prediction suggests that this variant may not impact protein structure and function (internally defined REVEL score threshold <= 0.5, PMID: 27666373). Splice site prediction tools suggest that this variant may not impact RNA splicing. To our knowledge, functional studies have not been performed for this variant. This variant has not been reported in individuals affected with cardiovascular disorders in the literature. This variant has not been identified in the general population by the Genome Aggregation Database (gnomAD). The available evidence is insufficient to determine the role of this variant in disease conclusively. Therefore, this variant is classified as a Variant of Uncertain Significance.

NM_001035.3(RYR2):c.2449C>A (p.Pro817Thr)

Gene: RYR2 (ryanodine receptor 2; plus strand). Cytogenetic location: 1q43.
Variant type: single nucleotide variant.
Coding change: c.2449C>A on transcript NM_001035.3 (MANE Select); coding-DNA position 2449, C replaced by A.
Protein change: p.Pro817Thr; replaces proline 817 with threonine.
Molecular consequence: missense variant.
Genome position (GRCh38, 1-based): chr1:237,503,341, C>A. VCF-style: chr1-237503341-C-A. GRCh37 (hg19) VCF-style: chr1-237666641-C-A.
Other names: short protein forms P817T.
Identifiers: ClinVar variation 923026 (VCV000923026.4), dbSNP rs780266883, ClinGen allele CA345378803.